The following is an entry in ClinVar:

NM_002109.6(HARS1):c.1084C>T (p.Arg362Cys)

Gene: HARS1 (histidyl-tRNA synthetase 1; minus strand). Cytogenetic location: 5q31.3.
Variant type: single nucleotide variant.
Coding change: c.1084C>T on transcript NM_002109.6 (MANE Select); coding-DNA position 1084, C replaced by T.
Protein change: p.Arg362Cys; replaces arginine 362 with cysteine.
Molecular consequence: missense variant.
Genome position (GRCh38, 1-based): chr5:140,676,764, G>A on the plus strand (C>T on the coding strand, the complement: HARS1 is on the minus strand). VCF-style: chr5-140676764-G-A. GRCh37 (hg19) VCF-style: chr5-140056349-G-A.
Other names: c.964C>T, p.Arg322Cys (NM_001258040.3); c.1024C>T, p.Arg342Cys (NM_001258041.3); c.904C>T, p.Arg302Cys (NM_001258042.3); c.862C>T, p.Arg288Cys (NM_001289092.2); c.742C>T, p.Arg248Cys (NM_001289093.2); c.997C>T, p.Arg333Cys (NM_001289094.2); short protein forms R333C, R248C, R288C, R362C, R302C, R342C, R322C.
Identifiers: ClinVar variation 645270 (VCV000645270.11), dbSNP rs751272874, ClinGen allele CA3443928.

ClinVar aggregate classification (germline): Uncertain significance. Review status: criteria provided, multiple submitters, no conflicts (2 of 4 stars). 2 submissions from 2 submitters: Uncertain significance (2). Last evaluated 2025-10-08.

Conditions:
Usher syndrome type 3B. Also called: USHER SYNDROME, TYPE IIIB. Identifiers: MedGen C3281066, MONDO:0013788, OMIM 614504.

Allele frequency attached by ClinVar (database versions not stated): ExAC 0.00001; TOPMed 0.00001; gnomAD exomes 0.00002.
gnomAD v4.1: 26 of 1,614,202 alleles (0.0016%); highest among the groups gnomAD compares: South Asian, 0.0044%; no homozygotes.

Submissions (2):

Labcorp Genetics (formerly Invitae), Labcorp
Classification: Uncertain significance for Usher syndrome type 3B. Last evaluated: 2025-10-08. Review status: criteria provided, single submitter. Criteria: Invitae Variant Classification Sherloc (09022015). Collection method: clinical testing. Allele origin: germline.
Comment: This sequence change replaces arginine, which is basic and polar, with cysteine, which is neutral and slightly polar, at codon 362 of the HARS protein (p.Arg362Cys). This variant is present in population databases (rs751272874, gnomAD 0.006%). This variant has not been reported in the literature in individuals affected with HARS-related conditions. ClinVar contains an entry for this variant (Variation ID: 645270). Invitae Evidence Modeling of protein sequence and biophysical properties (such as structural, functional, and spatial information, amino acid conservation, physicochemical variation, residue mobility, and thermodynamic stability) indicates that this missense variant is expected to disrupt HARS protein function with a positive predictive value of 80%. In summary, the available evidence is currently insufficient to determine the role of this variant in disease. Therefore, it has been classified as a Variant of Uncertain Significance.

Blueprint Genetics
Classification: Uncertain significance. Last evaluated: 2019-07-03. Review status: criteria provided, single submitter. Criteria: ACMG Guidelines, 2015. Collection method: clinical testing. Allele origin: germline.